The following is an entry in ClinVar:

NM_021098.3(CACNA1H):c.841A>G (p.Thr281Ala)

Gene: CACNA1H (calcium voltage-gated channel subunit alpha1 H; plus strand). Cytogenetic location: 16p13.3.
Variant type: single nucleotide variant.
Coding change: c.841A>G on transcript NM_021098.3 (MANE Select); coding-DNA position 841, A replaced by G.
Protein change: p.Thr281Ala; replaces threonine 281 with alanine.
Molecular consequence: missense variant.
Genome position (GRCh38, 1-based): chr16:1,200,293, A>G. VCF-style: chr16-1200293-A-G. GRCh37 (hg19) VCF-style: chr16-1250293-A-G.
Other names: c.841A>G, p.Thr281Ala (NM_001005407.2); short protein forms T281A.
Identifiers: ClinVar variation 3578268 (VCV003578268.3).

ClinVar aggregate classification (germline): Uncertain significance. Review status: criteria provided, multiple submitters, no conflicts (2 of 4 stars). 2 submissions from 2 submitters: Uncertain significance (2). Last evaluated 2024-04-10.

Conditions:
Epilepsy, childhood absence, susceptibility to, 6. Identifiers: Orphanet 64280, MedGen C2749872, MONDO:0012763, OMIM 611942.
Hyperaldosteronism, familial, type IV (HALD4). Also called: FH IV; ALDOSTERONISM, PRIMARY, AND HYPERTENSION. Identifiers: Orphanet 642671, MedGen C4310756, MONDO:0014875, OMIM 617027.
Idiopathic generalized epilepsy. Also called: Generalised epilepsy; EIG. Identifiers: MedGen C0270850, MONDO:0005579, OMIM 600669.

Submissions (2):

Labcorp Genetics (formerly Invitae), Labcorp
Classification: Uncertain significance for Idiopathic generalized epilepsy; Hyperaldosteronism, familial, type IV. Last evaluated: 2024-04-10. Review status: criteria provided, single submitter. Criteria: Invitae Variant Classification Sherloc (09022015). Collection method: clinical testing. Allele origin: germline.
Comment: This sequence change replaces threonine, which is neutral and polar, with alanine, which is neutral and non-polar, at codon 281 of the CACNA1H protein (p.Thr281Ala). This variant is not present in population databases (gnomAD no frequency). This variant has not been reported in the literature in individuals affected with CACNA1H-related conditions. Advanced modeling of protein sequence and biophysical properties (such as structural, functional, and spatial information, amino acid conservation, physicochemical variation, residue mobility, and thermodynamic stability) performed at Invitae indicates that this missense variant is not expected to disrupt CACNA1H protein function with a negative predictive value of 80%. In summary, the available evidence is currently insufficient to determine the role of this variant in disease. Therefore, it has been classified as a Variant of Uncertain Significance.

Fulgent Genetics
Classification: Uncertain significance for Epilepsy, childhood absence, susceptibility to, 6; Hyperaldosteronism, familial, type IV. Last evaluated: 2023-12-27. Review status: criteria provided, single submitter. Criteria: ACMG Guidelines, 2015. Collection method: clinical testing. Allele origin: germline.